The following is an entry in ClinVar:

NM_005560.6(LAMA5):c.1436A>G (p.Asn479Ser)

Gene: LAMA5 (laminin subunit alpha 5; minus strand). Cytogenetic location: 20q13.33.
Variant type: single nucleotide variant.
Coding change: c.1436A>G on transcript NM_005560.6 (MANE Select); coding-DNA position 1436, A replaced by G.
Protein change: p.Asn479Ser; replaces asparagine 479 with serine.
Molecular consequence: missense variant.
Genome position (GRCh38, 1-based): chr20:62,345,859, T>C on the plus strand (A>G on the coding strand, the complement: LAMA5 is on the minus strand). VCF-style: chr20-62345859-T-C. GRCh37 (hg19) VCF-style: chr20-60920915-T-C.
Other names: c.1436A>G (NM_005560.4); short protein forms N479S.
Identifiers: ClinVar variation 2063974 (VCV002063974.7), dbSNP rs140621982, ClinGen allele CA9943933.

ClinVar aggregate classification (germline): Likely benign. Review status: criteria provided, single submitter (1 of 4 stars). 2 submissions from 2 submitters: Likely benign (1). 1 of the submissions does not count toward it. Last evaluated 2025-10-23.

Conditions:
LAMA5-related disorder. Also called: LAMA5-related condition; LAMA5-Related Disorders.

Allele frequency attached by ClinVar (database versions not stated): gnomAD exomes 0.00020; ExAC 0.00085; ESP Exome Variant Server 0.00156; gnomAD 0.00165; TOPMed 0.00189; 1000 Genomes Project 30x 0.00219; 1000 Genomes Project 0.00260.

Submissions (3):

Labcorp Genetics (formerly Invitae), Labcorp
Classification: Likely benign. Last evaluated: 2025-10-23. Review status: criteria provided, single submitter. Criteria: Invitae Variant Classification Sherloc (09022015). Collection method: clinical testing. Allele origin: germline.

PreventionGenetics, part of Exact Sciences
Classification: Likely benign for LAMA5-related condition. Last evaluated: 2019-12-09. Review status: no assertion criteria provided. Collection method: clinical testing. Allele origin: germline. Not counted in ClinVar's aggregate classification.
Comment: This variant is classified as likely benign based on ACMG/AMP sequence variant interpretation guidelines (Richards et al. 2015 PMID: 25741868, with internal and published modifications).

Dr. Peter K. Rogan Lab, Western University
No classification provided (evidence only). Condition: Familial cancer of breast. Review status: no classification provided. Collection method: in vitro. Allele origin: not applicable. Functional consequence: retained intron. Not counted in ClinVar's aggregate classification.